The following is an entry in ClinVar:

ClinVar aggregate classification (germline): Likely benign (1 of 4 stars; one submission).

gnomAD v4.1: 2,662 of 1,598,164 alleles (0.17%); highest among the groups gnomAD compares: Non-Finnish European, 0.21%; 7 homozygotes.

Submission:

CeGaT Center for Human Genetics Tuebingen
Classification: Likely benign. Last evaluated: 2025-09-01. Review status: criteria provided, single submitter. Criteria: CeGaT Center For Human Genetics Tuebingen Variant Classification Criteria Version 2. Collection method: clinical testing. Allele origin: germline. Affected: yes. Observed: 1 variant allele.
Comment: CHD9: BS2

NM_001308319.2(CHD9):c.2347T>C (p.Phe783Leu)

Gene: CHD9 (chromodomain helicase DNA binding protein 9; plus strand). Cytogenetic location: 16q12.2.
Variant type: single nucleotide variant.
Coding change: c.2347T>C on transcript NM_001308319.2 (MANE Select); coding-DNA position 2347, T replaced by C.
Protein change: p.Phe783Leu; replaces phenylalanine 783 with leucine.
Molecular consequence: missense variant.
Genome position (GRCh38, 1-based): chr16:53,231,479, T>C. VCF-style: chr16-53231479-T-C. GRCh37 (hg19) VCF-style: chr16-53265391-T-C.
Other names: c.2347T>C, p.Phe783Leu (NM_001352127.3, NM_001382353.1, NM_025134.7); c.925T>C, p.Phe309Leu (NM_001352156.3, NM_001352157.3); c.826T>C, p.Phe276Leu (NM_001352158.3, NM_001382354.1, NM_001382355.1); short protein forms F276L, F309L, F783L.
Identifiers: ClinVar variation 4280764 (VCV004280764.7).